The following is an entry in ClinVar:

NM_022168.4(IFIH1):c.296T>A (p.Leu99His)

Gene: IFIH1 (interferon induced with helicase C domain 1; minus strand). Cytogenetic location: 2q24.2.
Variant type: single nucleotide variant.
Coding change: c.296T>A on transcript NM_022168.4 (MANE Select); coding-DNA position 296, T replaced by A.
Protein change: p.Leu99His; replaces leucine 99 with histidine.
Molecular consequence: missense variant.
Genome position (GRCh38, 1-based): chr2:162,318,012, A>T on the plus strand (T>A on the coding strand, the complement: IFIH1 is on the minus strand). VCF-style: chr2-162318012-A-T. GRCh37 (hg19) VCF-style: chr2-163174522-A-T.
Other names: short protein forms L99H.
Identifiers: ClinVar variation 2504546 (VCV002504546.4), dbSNP rs751197215, ClinGen allele CA1934864.

ClinVar aggregate classification (germline): Uncertain significance. Review status: criteria provided, multiple submitters, no conflicts (2 of 4 stars). 3 submissions from 3 submitters: Uncertain significance (3). Last evaluated 2024-09-09.

Conditions:
Aicardi-Goutieres syndrome 7 (AGS7). Identifiers: Orphanet 51, MedGen C3888244, MONDO:0014367, OMIM 615846.
Singleton-Merten syndrome 1 (SGMRT1). Also called: Widened medullary cavities of bone, aortic calcification, abnormal dentition, and muscular weakness; Syndrome of widened medullary cavities of the metacarpals and phalanges, aortic calcification and abnormal dentition. Identifiers: Orphanet 85191, MedGen C4225427, MONDO:0024535, OMIM 182250.

Allele frequency attached by ClinVar (database versions not stated): TOPMed below 0.00001.

Submissions (3):

Labcorp Genetics (formerly Invitae), Labcorp
Classification: Uncertain significance for Aicardi-Goutieres syndrome 7; Singleton-Merten syndrome 1. Last evaluated: 2024-09-09. Review status: criteria provided, single submitter. Criteria: Invitae Variant Classification Sherloc (09022015). Collection method: clinical testing. Allele origin: germline.
Comment: This sequence change replaces leucine, which is neutral and non-polar, with histidine, which is basic and polar, at codon 99 of the IFIH1 protein (p.Leu99His). This variant is not present in population databases (gnomAD no frequency). This variant has not been reported in the literature in individuals affected with IFIH1-related conditions. ClinVar contains an entry for this variant (Variation ID: 2504546). Invitae Evidence Modeling of protein sequence and biophysical properties (such as structural, functional, and spatial information, amino acid conservation, physicochemical variation, residue mobility, and thermodynamic stability) has been performed for this missense variant. However, the output from this modeling did not meet the statistical confidence thresholds required to predict the impact of this variant on IFIH1 protein function. In summary, the available evidence is currently insufficient to determine the role of this variant in disease. Therefore, it has been classified as a Variant of Uncertain Significance.

Blueprint Genetics
Classification: Uncertain significance. Last evaluated: 2023-04-18. Review status: criteria provided, single submitter. Criteria: ACMG Guidelines, 2015. Collection method: clinical testing. Allele origin: germline.

GeneDx
Classification: Uncertain significance. Last evaluated: 2022-11-30. Review status: criteria provided, single submitter. Criteria: GeneDx Variant Classification Process June 2021. Collection method: clinical testing. Allele origin: germline. Affected: yes.
Comment: Not observed at significant frequency in large population cohorts (gnomAD); In silico analysis supports that this missense variant does not alter protein structure/function; Has not been previously published as pathogenic or benign to our knowledge